The following is an entry in ClinVar:

ClinVar aggregate classification (germline): Uncertain significance (1 of 4 stars; one submission).

Submission:

Ambry Genetics
Classification: Uncertain significance. Last evaluated: 2025-01-19. Review status: criteria provided, single submitter. Criteria: Ambry Variant Classification Scheme 2023. Collection method: clinical testing. Allele origin: germline.
Comment: The p.V171L variant (also known as c.511G>C), located in coding exon 5 of the STAP1 gene, results from a G to C substitution at nucleotide position 511. The valine at codon 171 is replaced by leucine, an amino acid with highly similar properties. This amino acid position is conserved. In addition, this alteration is predicted to be tolerated by in silico analysis. Based on the available evidence, the clinical significance of this variant remains unclear.

NM_012108.4(STAP1):c.511G>C (p.Val171Leu)

Gene: STAP1 (signal transducing adaptor family member 1; plus strand). Cytogenetic location: 4q13.2.
Variant type: single nucleotide variant.
Coding change: c.511G>C on transcript NM_012108.4 (MANE Select); coding-DNA position 511, G replaced by C.
Protein change: p.Val171Leu; replaces valine 171 with leucine.
Molecular consequence: missense variant.
Genome position (GRCh38, 1-based): chr4:67,581,452, G>C. VCF-style: chr4-67581452-G-C. GRCh37 (hg19) VCF-style: chr4-68447170-G-C.
Other names: c.511G>C, p.Val171Leu (NM_001317769.2); short protein forms V171L.
Identifiers: ClinVar variation 3802140 (VCV003802140.1).